The following is an entry in ClinVar:

NM_001363711.2(DUOX2):c.325+5G>T

Gene: DUOX2 (dual oxidase 2; minus strand). Cytogenetic location: 15q21.1.
Variant type: single nucleotide variant.
Coding change: c.325+5G>T on transcript NM_001363711.2 (MANE Select); 5 bases into the intron after coding-DNA position 325, G replaced by T.
Molecular consequence: intron variant.
Genome position (GRCh38, 1-based): chr15:45,112,549, C>A on the plus strand (G>T on the coding strand, the complement: DUOX2 is on the minus strand). VCF-style: chr15-45112549-C-A. GRCh37 (hg19) VCF-style: chr15-45404747-C-A.
Other names: c.325+5G>T (NM_014080.5).
Identifiers: ClinVar variation 3365585 (VCV003365585.1).

ClinVar aggregate classification (germline): Uncertain significance (1 of 4 stars; one submission).

gnomAD v4.1: 3 of 1,612,644 alleles (0.00019%); highest among the groups gnomAD compares: Non-Finnish European, 0.00025%; no homozygotes.

Submission:

GeneDx
Classification: Uncertain significance. Last evaluated: 2023-12-12. Review status: criteria provided, single submitter. Criteria: GeneDx Variant Classification Process June 2021. Collection method: clinical testing. Allele origin: germline. Affected: yes.
Comment: Not observed at significant frequency in large population cohorts (gnomAD); In silico analysis supports a deleterious effect on splicing; Has not been previously published as pathogenic or benign to our knowledge